The following is an entry in ClinVar:

NM_000214.3(JAG1):c.406G>A (p.Val136Met)

Gene: JAG1 (jagged canonical Notch ligand 1; minus strand). Cytogenetic location: 20p12.2.
Variant type: single nucleotide variant.
Coding change: c.406G>A on transcript NM_000214.3 (MANE Select); coding-DNA position 406, G replaced by A.
Protein change: p.Val136Met; replaces valine 136 with methionine.
Molecular consequence: missense variant.
Genome position (GRCh38, 1-based): chr20:10,663,996, C>T on the plus strand (G>A on the coding strand, the complement: JAG1 is on the minus strand). VCF-style: chr20-10663996-C-T. GRCh37 (hg19) VCF-style: chr20-10644644-C-T.
Other names: short protein forms V136M.
Identifiers: ClinVar variation 2880090 (VCV002880090.5), dbSNP rs746158749, ClinGen allele CA9765142.
Genomic context (GRCh38, chr20:10,663,996, plus strand): 5'-AGAAAAGTCCACAGAAGCGATACTTACGAACGGTGTCATTACTGGAATCCCACGCCTCCA[C>T]AAGCAACGTATAGGACCTCTGCAAGACAAACAAACAATTTAGCAATTCAGAAACAGGGTC-3'
Protein context (NP_000205.1, residues 126-146): FAWPRSYTLL[Val136Met]EAWDSSNDTV

ClinVar aggregate classification (germline): Uncertain significance (1 of 4 stars; one submission).

Conditions:
Alagille syndrome due to a JAG1 point mutation. Also called: JAG1-Related Alagille Syndrome; HEPATIC DUCTULAR HYPOPLASIA, SYNDROMATIC; Alagille Syndrome 1. Identifiers: Orphanet 261619, Orphanet 52, MedGen C1956125, MONDO:0016862, OMIM 118450.

Allele frequency attached by ClinVar (database versions not stated): ExAC 0.00001.
gnomAD v4.1: 7 of 1,613,980 alleles (0.00043%); highest among the groups gnomAD compares: South Asian, 0.0011%; no homozygotes.

Submissions (2):

Labcorp Genetics (formerly Invitae), Labcorp
Classification: Uncertain significance for Alagille syndrome due to a JAG1 point mutation. Last evaluated: 2023-07-19. Review status: criteria provided, single submitter. Criteria: Invitae Variant Classification Sherloc (09022015). Collection method: clinical testing. Allele origin: germline.
Comment: This sequence change replaces valine, which is neutral and non-polar, with methionine, which is neutral and non-polar, at codon 136 of the JAG1 protein (p.Val136Met). This variant is present in population databases (rs746158749, gnomAD 0.003%). This variant has not been reported in the literature in individuals affected with JAG1-related conditions. Advanced modeling of protein sequence and biophysical properties (such as structural, functional, and spatial information, amino acid conservation, physicochemical variation, residue mobility, and thermodynamic stability) performed at Invitae indicates that this missense variant is not expected to disrupt JAG1 protein function. In summary, the available evidence is currently insufficient to determine the role of this variant in disease. Therefore, it has been classified as a Variant of Uncertain Significance.

Gilbert/Spinner Lab, Children's Hospital of Philadelphia
No classification provided (evidence only). Condition: Alagille syndrome. Review status: no classification provided. Collection method: research. Allele origin: not applicable. Functional consequence: functionally_abnormal. Not counted in ClinVar's aggregate classification.
ClinVar note: "not provided" was previously submitted as the classification for the variant. However, the classification appeared to be based only on an observation of functional data so it was converted to no classification on 2025-07-30.